The following is an entry in ClinVar:

ClinVar aggregate classification (germline): Uncertain significance (1 of 4 stars; one submission).

Conditions:
ATP1A3-related disorder. Also called: ATP1A3-related disorders; ATP1A3-related condition. Identifiers: MedGen CN381097.

Submission:

3billion
Classification: Uncertain significance for ATP1A3-related disorder. Last evaluated: 2025-09-01. Review status: criteria provided, single submitter. Criteria: ACMG Guidelines, 2015. Collection method: clinical testing. Allele origin: germline. Affected: yes.
Comment: The variant is not observed in the gnomAD v4.1.0 dataset. Predicted Consequence/Location: Missense variant. Missense changes are a common disease-causing mechanism. In silico tool predictions suggest damaging effect of the variant on gene or gene product [REVEL: 0.94 (>=0.6, sensitivity 0.68 and specificity 0.92); 3Cnet: 0.98 (> 0.75, sensitivity 0.96 and precision 0.92)]. Therefore, this variant is classified as VUS according to the recommendation of ACMG/AMP guideline.

NM_152296.5(ATP1A3):c.368G>T (p.Gly123Val)

Gene: ATP1A3 (ATPase Na+/K+ transporting subunit alpha 3; minus strand). Cytogenetic location: 19q13.2.
Variant type: single nucleotide variant.
Coding change: c.368G>T on transcript NM_152296.5 (MANE Select); coding-DNA position 368, G replaced by T.
Protein change: p.Gly123Val; replaces glycine 123 with valine.
Molecular consequence: missense variant.
Genome position (GRCh38, 1-based): chr19:41,986,219, C>A on the plus strand (G>T on the coding strand, the complement: ATP1A3 is on the minus strand). VCF-style: chr19-41986219-C-A. GRCh37 (hg19) VCF-style: chr19-42490371-C-A.
Other names: c.401G>T, p.Gly134Val (NM_001256213.2); c.407G>T, p.Gly136Val (NM_001256214.2); short protein forms G123V, G134V, G136V.
Identifiers: ClinVar variation 4854394 (VCV004854394.1).